The following is an entry in ClinVar:

NM_003200.5(TCF3):c.1713G>A (p.Glu571=)

Gene: TCF3 (transcription factor 3; minus strand). Cytogenetic location: 19p13.3.
Variant type: single nucleotide variant.
Coding change: c.1713G>A on transcript NM_003200.5 (MANE Select); coding-DNA position 1713, G replaced by A.
Protein change: p.Glu571=; no amino-acid change (glutamic acid 571 retained).
Molecular consequence: synonymous variant. On other transcripts: intron variant (2).
Genome position (GRCh38, 1-based): chr19:1,615,394, C>T on the plus strand (G>A on the coding strand, the complement: TCF3 is on the minus strand). VCF-style: chr19-1615394-C-T. GRCh37 (hg19) VCF-style: chr19-1615393-C-T.
Other names: p.Glu571=; c.1710G>A, p.Glu570= (NM_001351778.2); c.1586+292G>A (NM_001136139.4, NM_001351779.2).
Identifiers: ClinVar variation 717103 (VCV000717103.59), dbSNP rs143212973, ClinGen allele CA9049648.

ClinVar aggregate classification (germline): Benign/Likely benign. Review status: criteria provided, multiple submitters, no conflicts (2 of 4 stars). 6 submissions from 6 submitters: Benign (3); Likely benign (3). Last evaluated 2026-07-01.

Conditions:
Agammaglobulinemia 8b, autosomal recessive. Also called: AGAMMAGLOBULINEMIA, AUTOSOMAL RECESSIVE, DUE TO TCF3 DEFECT. Identifiers: MedGen C5676958, MONDO:0859234, OMIM 619824.
Agammaglobulinemia 8, autosomal dominant (AGM8A). Also called: AGAMMAGLOBULINEMIA, AUTOSOMAL DOMINANT, DUE TO TCF3 DEFECT; AGAMMAGLOBULINEMIA 8A, AUTOSOMAL DOMINANT. Identifiers: MedGen C4310786, MONDO:0014840, OMIM 616941.

Allele frequency attached by ClinVar (database versions not stated): 1000 Genomes Project 0.00120; 1000 Genomes Project 30x 0.00125; TOPMed 0.00303; gnomAD exomes 0.00357; gnomAD 0.00373 and 0.00394; ExAC 0.00407; ESP Exome Variant Server 0.00492.
gnomAD v4.1: 8,038 of 1,614,084 alleles (0.5%); highest among the groups gnomAD compares: Non-Finnish European, 0.6%; 32 homozygotes.

Submissions (6):

CeGaT Center for Human Genetics Tuebingen
Classification: Likely benign. Last evaluated: 2026-07-01. Review status: criteria provided, single submitter. Criteria: CeGaT Center For Human Genetics Tuebingen Variant Classification Criteria Version 2. Collection method: clinical testing. Allele origin: germline. Affected: yes. Observed: 8 variant alleles.
Comment: TCF3: BP4, BP7, BS2

Labcorp Genetics (formerly Invitae), Labcorp
Classification: Benign. Last evaluated: 2026-02-01. Review status: criteria provided, single submitter. Criteria: Invitae Variant Classification Sherloc (09022015). Collection method: clinical testing. Allele origin: germline.

ARUP Laboratories, Molecular Genetics and Genomics, ARUP Laboratories
Classification: Benign. Last evaluated: 2025-06-20. Review status: criteria provided, single submitter. Criteria: ARUP Molecular Germline Variant Investigation Process 2024. Collection method: clinical testing. Allele origin: germline.

Mayo Clinic Laboratories, Mayo Clinic
Classification: Benign. Last evaluated: 2025-01-08. Review status: criteria provided, single submitter. Criteria: ACMG Guidelines, 2015. Collection method: clinical testing. Allele origin: germline. Observed: 2 variant alleles.
Comment: BS1, BS2, BP4, BP7

Blueprint Genetics
Classification: Likely benign. Last evaluated: 2024-11-26. Review status: criteria provided, single submitter. Criteria: ACMG Guidelines, 2015. Collection method: clinical testing. Allele origin: germline.

Fulgent Genetics
Classification: Likely benign for Agammaglobulinemia 8, autosomal dominant; Agammaglobulinemia 8b, autosomal recessive. Last evaluated: 2021-09-16. Review status: criteria provided, single submitter. Criteria: ACMG Guidelines, 2015. Collection method: clinical testing. Allele origin: unknown.